The following is an entry in ClinVar:

ClinVar aggregate classification (germline): Uncertain significance (1 of 4 stars; one submission).

Allele frequency attached by ClinVar (database versions not stated): gnomAD exomes 0.00001; ExAC 0.00002.
gnomAD v4.1: 5 of 1,614,138 alleles (0.00031%); highest among the groups gnomAD compares: Non-Finnish European, 0.00034%; no homozygotes.

Submission:

Labcorp Genetics (formerly Invitae), Labcorp
Classification: Uncertain significance. Last evaluated: 2023-06-13. Review status: criteria provided, single submitter. Criteria: Invitae Variant Classification Sherloc (09022015). Collection method: clinical testing. Allele origin: germline.
Comment: In summary, the available evidence is currently insufficient to determine the role of this variant in disease. Therefore, it has been classified as a Variant of Uncertain Significance. An algorithm developed to predict the effect of missense changes on protein structure and function (PolyPhen-2) suggests that this variant is likely to be disruptive. This variant has not been reported in the literature in individuals affected with GRM7-related conditions. This variant is present in population databases (rs766724490, gnomAD 0.002%). This sequence change replaces alanine, which is neutral and non-polar, with valine, which is neutral and non-polar, at codon 869 of the GRM7 protein (p.Ala869Val).

NM_000844.4(GRM7):c.2606C>T (p.Ala869Val)

Gene: GRM7 (glutamate metabotropic receptor 7; plus strand). Cytogenetic location: 3p26.1.
Variant type: single nucleotide variant.
Coding change: c.2606C>T on transcript NM_000844.4 (MANE Select); coding-DNA position 2606, C replaced by T.
Protein change: p.Ala869Val; replaces alanine 869 with valine.
Molecular consequence: missense variant.
Genome position (GRCh38, 1-based): chr3:7,680,203, C>T. VCF-style: chr3-7680203-C-T. GRCh37 (hg19) VCF-style: chr3-7721890-C-T.
Other names: c.2606C>T, p.Ala869Val (NM_181874.3); short protein forms A869V.
Identifiers: ClinVar variation 2974572 (VCV002974572.2), dbSNP rs766724490, ClinGen allele CA2235153.